The following is an entry in ClinVar:

NM_006231.4(POLE):c.5707C>G (p.Leu1903Val)

Gene: POLE (DNA polymerase epsilon, catalytic subunit; minus strand). Cytogenetic location: 12q24.33.
Variant type: single nucleotide variant.
Coding change: c.5707C>G on transcript NM_006231.4 (MANE Select); coding-DNA position 5707, C replaced by G.
Protein change: p.Leu1903Val; replaces leucine 1903 with valine.
Molecular consequence: missense variant.
Genome position (GRCh38, 1-based): chr12:132,635,996, G>C on the plus strand (C>G on the coding strand, the complement: POLE is on the minus strand). VCF-style: chr12-132635996-G-C. GRCh37 (hg19) VCF-style: chr12-133212582-G-C.
Other names: short protein forms L1903V.
Identifiers: ClinVar variation 1491624 (VCV001491624.10), dbSNP rs5744990, ClinGen allele CA387373204.

ClinVar aggregate classification (germline): Uncertain significance. Review status: criteria provided, multiple submitters, no conflicts (2 of 4 stars). 3 submissions from 3 submitters: Uncertain significance (3). Last evaluated 2025-06-11.

Conditions:
Hereditary cancer-predisposing syndrome. Also called: Tumor predisposition; Hereditary neoplastic syndrome; Neoplastic Syndromes, Hereditary; Hereditary Cancer Syndrome. Identifiers: Orphanet 140162, MedGen C0027672, MeSH D009386, MONDO:0015356.

Submissions (3):

Ambry Genetics
Classification: Uncertain significance for Hereditary cancer-predisposing syndrome. Last evaluated: 2025-06-11. Review status: criteria provided, single submitter. Criteria: Ambry Variant Classification Scheme 2023. Collection method: clinical testing. Allele origin: germline.
Comment: The p.L1903V variant (also known as c.5707C>G), located in coding exon 42 of the POLE gene, results from a C to G substitution at nucleotide position 5707. The leucine at codon 1903 is replaced by valine, an amino acid with highly similar properties. This amino acid position is conserved. In addition, the in silico prediction for this alteration is inconclusive. Based on the available evidence, the clinical significance of this variant remains unclear.

Labcorp Genetics (formerly Invitae), Labcorp
Classification: Uncertain significance. Last evaluated: 2023-11-27. Review status: criteria provided, single submitter. Criteria: Invitae Variant Classification Sherloc (09022015). Collection method: clinical testing. Allele origin: germline.
Comment: This sequence change replaces leucine, which is neutral and non-polar, with valine, which is neutral and non-polar, at codon 1903 of the POLE protein (p.Leu1903Val). This variant is not present in population databases (gnomAD no frequency). This variant has not been reported in the literature in individuals affected with POLE-related conditions. ClinVar contains an entry for this variant (Variation ID: 1491624). Advanced modeling of protein sequence and biophysical properties (such as structural, functional, and spatial information, amino acid conservation, physicochemical variation, residue mobility, and thermodynamic stability) performed at Invitae indicates that this missense variant is not expected to disrupt POLE protein function with a negative predictive value of 80%. In summary, the available evidence is currently insufficient to determine the role of this variant in disease. Therefore, it has been classified as a Variant of Uncertain Significance.

GeneDx
Classification: Uncertain significance. Last evaluated: 2023-09-23. Review status: criteria provided, single submitter. Criteria: GeneDx Variant Classification Process June 2021. Collection method: clinical testing. Allele origin: germline. Affected: yes.
Comment: Not observed at significant frequency in large population cohorts (gnomAD); In silico analysis supports that this missense variant does not alter protein structure/function; Has not been previously published as pathogenic or benign to our knowledge